The following is an entry in ClinVar:

NM_001042492.3(NF1):c.6611C>T (p.Thr2204Ile)

Gene: NF1 (neurofibromin 1; plus strand). Cytogenetic location: 17q11.2.
Variant type: single nucleotide variant.
Coding change: c.6611C>T on transcript NM_001042492.3 (MANE Select); coding-DNA position 6611, C replaced by T.
Protein change: p.Thr2204Ile; replaces threonine 2204 with isoleucine.
Molecular consequence: missense variant.
Genome position (GRCh38, 1-based): chr17:31,337,551, C>T. VCF-style: chr17-31337551-C-T. GRCh37 (hg19) VCF-style: chr17-29664569-C-T.
Other names: c.6548C>T, p.Thr2183Ile (NM_000267.4); short protein forms T2183I, T2204I.
Identifiers: ClinVar variation 826474 (VCV000826474.12), dbSNP rs1597843996, ClinGen allele CA399013423.

ClinVar aggregate classification (germline): Uncertain significance. Review status: criteria provided, multiple submitters, no conflicts (2 of 4 stars). 3 submissions from 3 submitters: Uncertain significance (3). Last evaluated 2023-04-04.

Conditions:
Hereditary cancer-predisposing syndrome. Also called: Neoplastic Syndromes, Hereditary; Hereditary Cancer Syndrome; Hereditary neoplastic syndrome; Tumor predisposition. Identifiers: Orphanet 140162, MedGen C0027672, MeSH D009386, MONDO:0015356.
Cardiovascular phenotype. Identifiers: MedGen CN230736.
Neurofibromatosis, type 1 (NF1). Also called: Neurofibromatosis, type I; Peripheral type neurofibromatosis; VON RECKLINGHAUSEN DISEASE; NEUROFIBROMATOSIS, TYPE I, SOMATIC. Identifiers: Orphanet 636, MedGen C0027831, MONDO:0018975, OMIM 162200. Disease mechanism: loss of function.

Allele frequency attached by ClinVar (database versions not stated): TOPMed below 0.00001.

Submissions (3):

Labcorp Genetics (formerly Invitae), Labcorp
Classification: Uncertain significance for Neurofibromatosis, type 1. Last evaluated: 2023-04-04. Review status: criteria provided, single submitter. Criteria: Invitae Variant Classification Sherloc (09022015). Collection method: clinical testing. Allele origin: germline.
Comment: This sequence change replaces threonine, which is neutral and polar, with isoleucine, which is neutral and non-polar, at codon 2183 of the NF1 protein (p.Thr2183Ile). This variant is not present in population databases (gnomAD no frequency). This variant has not been reported in the literature in individuals affected with NF1-related conditions. ClinVar contains an entry for this variant (Variation ID: 826474). Advanced modeling of protein sequence and biophysical properties (such as structural, functional, and spatial information, amino acid conservation, physicochemical variation, residue mobility, and thermodynamic stability) performed at Invitae indicates that this missense variant is not expected to disrupt NF1 protein function. In summary, the available evidence is currently insufficient to determine the role of this variant in disease. Therefore, it has been classified as a Variant of Uncertain Significance.

Genome-Nilou Lab
Classification: Uncertain significance for Neurofibromatosis, type 1. Last evaluated: 2022-03-15. Review status: criteria provided, single submitter. Criteria: ACMG Guidelines, 2015. Collection method: clinical testing. Allele origin: germline. Affected: no.

Ambry Genetics
Classification: Uncertain significance for Cardiovascular phenotype; Hereditary cancer-predisposing syndrome. Last evaluated: 2019-06-11. Review status: criteria provided, single submitter. Criteria: Ambry Variant Classification Scheme 2023. Collection method: clinical testing. Allele origin: germline.
Comment: Based on insufficient or conflicting evidence, the clinical significance of this alteration remains unclear.